The following is an entry in ClinVar:

NM_001061.7(TBXAS1):c.580G>A (p.Ala194Thr)

Gene: TBXAS1 (thromboxane A synthase 1; plus strand). Cytogenetic location: 7q34.
Variant type: single nucleotide variant.
Coding change: c.580G>A on transcript NM_001061.7 (MANE Select); coding-DNA position 580, G replaced by A.
Protein change: p.Ala194Thr; replaces alanine 194 with threonine.
Molecular consequence: missense variant.
Genome position (GRCh38, 1-based): chr7:139,955,499, G>A. VCF-style: chr7-139955499-G-A. GRCh37 (hg19) VCF-style: chr7-139655298-G-A.
Other names: p.Ala194Thr; c.583G>A (NM_001061.4); c.580G>A, p.Ala194Thr (NM_001130966.5, NM_030984.6); c.718G>A, p.Ala240Thr (NM_001166253.4); c.379G>A, p.Ala127Thr (NM_001166254.4); c.523G>A, p.Ala175Thr (NM_001314028.4); c.397G>A, p.Ala133Thr (NM_001366537.3); c.580G>A (NM_001061.6); short protein forms A175T, A195T, A240T, A241T, A133T, A194T, A127T.
Identifiers: ClinVar variation 2137119 (VCV002137119.4), dbSNP rs769131779, ClinGen allele CA4511723.

ClinVar aggregate classification (germline): Uncertain significance. Review status: criteria provided, multiple submitters, no conflicts (2 of 4 stars). 3 submissions from 3 submitters: Uncertain significance (3). Last evaluated 2025-10-09.

Conditions:
Inborn genetic diseases. Identifiers: MedGen C0950123, MeSH D030342.

Allele frequency attached by ClinVar (database versions not stated): ExAC 0.00002; gnomAD 0.00005.
gnomAD v4.1: 45 of 1,614,076 alleles (0.0028%); highest among the groups gnomAD compares: South Asian, 0.012%; no homozygotes.

Submissions (3):

Mayo Clinic Laboratories, Mayo Clinic
Classification: Uncertain significance. Last evaluated: 2025-10-09. Review status: criteria provided, single submitter. Criteria: ACMG Guidelines, 2015. Collection method: clinical testing. Allele origin: germline. Observed: 1 variant allele.

Ambry Genetics
Classification: Uncertain significance for Inborn genetic diseases. Last evaluated: 2025-01-29. Review status: criteria provided, single submitter. Criteria: Ambry Variant Classification Scheme 2023. Collection method: clinical testing. Allele origin: germline.

Labcorp Genetics (formerly Invitae), Labcorp
Classification: Uncertain significance. Last evaluated: 2022-06-25. Review status: criteria provided, single submitter. Criteria: Invitae Variant Classification Sherloc (09022015). Collection method: clinical testing. Allele origin: germline.
Comment: This sequence change replaces alanine, which is neutral and non-polar, with threonine, which is neutral and polar, at codon 195 of the TBXAS1 protein (p.Ala195Thr). This variant is present in population databases (rs769131779, gnomAD 0.02%). This variant has not been reported in the literature in individuals affected with TBXAS1-related conditions. Algorithms developed to predict the effect of missense changes on protein structure and function (SIFT, PolyPhen-2, Align-GVGD) all suggest that this variant is likely to be disruptive. In summary, the available evidence is currently insufficient to determine the role of this variant in disease. Therefore, it has been classified as a Variant of Uncertain Significance.